The following is an entry in ClinVar:

ClinVar aggregate classification (germline): Pathogenic (1 of 4 stars; one submission).

Conditions:
Carnitine palmitoyltransferase II deficiency. Also called: Carnitine Palmitoyltransferase 2 Deficiency. Identifiers: Orphanet 157, MedGen C0342790, MONDO:0015515.

Submission:

Labcorp Genetics (formerly Invitae), Labcorp
Classification: Pathogenic for Carnitine palmitoyltransferase II deficiency. Last evaluated: 2021-08-12. Review status: criteria provided, single submitter. Criteria: Invitae Variant Classification Sherloc (09022015). Collection method: clinical testing. Allele origin: germline.
Comment: This sequence change creates a premature translational stop signal (p.Thr80Glnfs*50) in the CPT2 gene. It is expected to result in an absent or disrupted protein product. Loss-of-function variants in CPT2 are known to be pathogenic (PMID: 16781677, 16996287). This variant is not present in population databases (ExAC no frequency). This variant has not been reported in the literature in individuals affected with CPT2-related conditions. For these reasons, this variant has been classified as Pathogenic.

Literature cited by the submitters: PubMed 16781677; PubMed 16996287.

NM_000098.3(CPT2):c.238del (p.Thr80fs)

Gene: CPT2 (carnitine palmitoyltransferase 2; plus strand). Cytogenetic location: 1p32.3.
Variant type: Deletion.
Coding change: c.238del on transcript NM_000098.3 (MANE Select); coding-DNA position 238, one base deleted (A; older notation c.238delA).
Protein change: p.Thr80fs; shifts the reading frame from threonine 80.
Molecular consequence: frameshift variant.
Genome position (GRCh38, 1-based): chr1:53,202,327, A deleted; the last of 4 consecutive A bases (chr1:53,202,324-53,202,327); deleting any one gives the same sequence. VCF-style (leftmost placement, unchanged base first): chr1-53202323-GA-G. GRCh37 (hg19) VCF-style: chr1-53667995-GA-G.
Other names: c.238del, p.Thr80fs (NM_001330589.2); short protein forms T80fs.
Identifiers: ClinVar variation 1387016 (VCV001387016.6), dbSNP rs2100261764, ClinGen allele CA2573132417.